The following is an entry in ClinVar:

ClinVar aggregate classification (germline): Uncertain significance (1 of 4 stars; one submission).

Conditions:
Episodic ataxia type 2 (EA2). Also called: ATAXIA, EPISODIC, WITH NYSTAGMUS; ATAXIA, FAMILIAL PAROXYSMAL; ACETAZOLAMIDE-RESPONSIVE HEREDITARY PAROXYSMAL CEREBELLAR ATAXIA; CEREBELLAR ATAXIA, PAROXYSMAL, ACETAZOLAMIDE-RESPONSIVE; CEREBELLOPATHY, HEREDITARY PAROXYSMAL; EPISODIC ATAXIA, NYSTAGMUS-ASSOCIATED. Identifiers: Orphanet 97, MedGen C1720416, MONDO:0007163, OMIM 108500.
Developmental and epileptic encephalopathy, 42 (DEE42A). Also called: Epileptic encephalopathy, early infantile, 42; DEVELOPMENTAL AND EPILEPTIC ENCEPHALOPATHY 42A; EPILEPTIC ENCEPHALOPATHY, EARLY INFANTILE, 42A. Identifiers: MedGen C4310716, MONDO:0014917, OMIM 617106.

Submission:

Labcorp Genetics (formerly Invitae), Labcorp
Classification: Uncertain significance for Developmental and epileptic encephalopathy, 42; Episodic ataxia type 2. Last evaluated: 2024-06-12. Review status: criteria provided, single submitter. Criteria: Invitae Variant Classification Sherloc (09022015). Collection method: clinical testing. Allele origin: germline.
Comment: This sequence change replaces alanine, which is neutral and non-polar, with valine, which is neutral and non-polar, at codon 1395 of the CACNA1A protein (p.Ala1395Val). This variant is not present in population databases (gnomAD no frequency). This variant has not been reported in the literature in individuals affected with CACNA1A-related conditions. Advanced modeling of protein sequence and biophysical properties (such as structural, functional, and spatial information, amino acid conservation, physicochemical variation, residue mobility, and thermodynamic stability) performed at Invitae indicates that this missense variant is expected to disrupt CACNA1A protein function with a positive predictive value of 95%. In summary, the available evidence is currently insufficient to determine the role of this variant in disease. Therefore, it has been classified as a Variant of Uncertain Significance.

NM_001127222.2(CACNA1A):c.4181C>T (p.Ala1394Val)

Genes: CACNA1A (calcium voltage-gated channel subunit alpha1 A; minus strand), LOC126862864 (MED14-independent group 3 enhancer GRCh37_chr19:13371552-13372751; plus strand). Cytogenetic location: 19p13.13.
Variant type: single nucleotide variant.
Coding change: c.4181C>T on transcript NM_001127222.2 (MANE Select); coding-DNA position 4181, C replaced by T.
Protein change: p.Ala1394Val; replaces alanine 1394 with valine.
Molecular consequence: missense variant.
Genome position (GRCh38, 1-based): chr19:13,261,519, G>A on the plus strand (C>T on the coding strand, the complement: CACNA1A is on the minus strand). VCF-style: chr19-13261519-G-A. GRCh37 (hg19) VCF-style: chr19-13372333-G-A.
Other names: c.4193C>T, p.Ala1398Val (NM_000068.4, NM_023035.3); c.4184C>T, p.Ala1395Val (NM_001127221.2, NM_001174080.2); short protein forms A1394V, A1395V, A1398V.
Identifiers: ClinVar variation 3754157 (VCV003754157.2).
Genomic context (GRCh38, chr19:13,261,519, plus strand): 5'-TTCTCAAACTCTTTGGACTCGTCAGTGCAGTGGAAGAATTTCCCCTTGAAGAGCTGCACA[G>A]CCACCACGGCGAAGATGAACATGAATAGCATGTAGACGATGAGGATGTTGAAGACGTTTT-3'
Protein context (NP_001120694.1, residues 1384-1404): MLFMFIFAVV[Ala1394Val]VQLFKGKFFH